The following is an entry in ClinVar:

NM_153026.3(PRICKLE1):c.384+3G>A

Gene: PRICKLE1 (prickle planar cell polarity protein 1; minus strand). Cytogenetic location: 12q12.
Variant type: single nucleotide variant.
Coding change: c.384+3G>A on transcript NM_153026.3 (MANE Select); 3 bases into the intron after coding-DNA position 384, G replaced by A.
Molecular consequence: intron variant.
Genome position (GRCh38, 1-based): chr12:42,469,447, C>T on the plus strand (G>A on the coding strand, the complement: PRICKLE1 is on the minus strand). VCF-style: chr12-42469447-C-T. GRCh37 (hg19) VCF-style: chr12-42863249-C-T.
Other names: c.384+3G>A (NM_001144883.2, NM_001144882.2, NM_001144881.2).
Identifiers: ClinVar variation 1051688 (VCV001051688.7), dbSNP rs2140116219, ClinGen allele CA2499221633.

ClinVar aggregate classification (germline): Uncertain significance (1 of 4 stars; one submission).

Conditions:
Epilepsy, progressive myoclonic, 1B. Also called: PME. Identifiers: Orphanet 308, MedGen C2676254, MONDO:0012904, OMIM 612437.

Submission:

Labcorp Genetics (formerly Invitae), Labcorp
Classification: Uncertain significance for Epilepsy, progressive myoclonic, 1B. Last evaluated: 2022-02-09. Review status: criteria provided, single submitter. Criteria: Invitae Variant Classification Sherloc (09022015). Collection method: clinical testing. Allele origin: germline.
Comment: ClinVar contains an entry for this variant (Variation ID: 1051688). Variants that disrupt the consensus splice site are a relatively common cause of aberrant splicing (PMID: 17576681, 9536098). Algorithms developed to predict the effect of sequence changes on RNA splicing suggest that this variant is not likely to affect RNA splicing. In summary, the available evidence is currently insufficient to determine the role of this variant in disease. Therefore, it has been classified as a Variant of Uncertain Significance. This variant has not been reported in the literature in individuals affected with PRICKLE1-related conditions. This sequence change falls in intron 4 of the PRICKLE1 gene. It does not directly change the encoded amino acid sequence of the PRICKLE1 protein. It affects a nucleotide within the consensus splice site. This variant is not present in population databases (gnomAD no frequency).

Literature cited by the submitters: PubMed 17576681; PubMed 9536098.